The following is an entry in ClinVar:

ClinVar aggregate classification (germline): Uncertain significance (1 of 4 stars; one submission).

Submission:

CeGaT Center for Human Genetics Tuebingen
Classification: Uncertain significance. Last evaluated: 2025-04-01. Review status: criteria provided, single submitter. Criteria: CeGaT Center For Human Genetics Tuebingen Variant Classification Criteria Version 2. Collection method: clinical testing. Allele origin: germline. Affected: yes. Observed: 1 variant allele.
Comment: SRPK3: PM2

NM_014370.4(SRPK3):c.215G>A (p.Gly72Asp)

Gene: SRPK3 (SRSF protein kinase 3; plus strand). Cytogenetic location: Xq28.
Variant type: single nucleotide variant.
Coding change: c.215G>A on transcript NM_014370.4 (MANE Select); coding-DNA position 215, G replaced by A.
Protein change: p.Gly72Asp; replaces glycine 72 with aspartic acid.
Molecular consequence: missense variant.
Genome position (GRCh38, 1-based): chrX:153,781,529, G>A. VCF-style: chrX-153781529-G-A. GRCh37 (hg19) VCF-style: chrX-153046984-G-A.
Other names: c.215G>A, p.Gly72Asp (NM_001170760.2, NM_001170761.2); short protein forms G72D.
Identifiers: ClinVar variation 3898732 (VCV003898732.7).
Genomic context (GRCh38, chrX:153,781,529, plus strand): 5'-ACCCCCTCCACCCCAATCTACATCTCCCCTGGGCAGGCGGCTACCACCCTGTGAAGATCG[G>A]CGACGTGTTCAATGGGCGGTACCACGTGGTGCGCAAACTGGGCTGGGGCCACTTCTCCAC-3'
Protein context (NP_055185.2, residues 62-82): CKGGYHPVKI[Gly72Asp]DVFNGRYHVV